The following is an entry in ClinVar:

ClinVar aggregate classification (germline): Uncertain significance (1 of 4 stars; one submission).

Conditions:
Idiopathic Pulmonary Fibrosis. Also called: Idiopathic fibrosing alveolitis, chronic form; idiopathic fibrosing alveolitis. Identifiers: Orphanet 2032, MedGen C1800706, MeSH D054990, MONDO:0800504.
Dyskeratosis congenita, autosomal dominant 2. Identifiers: MedGen C3151443, MONDO:0013521, OMIM 613989.

gnomAD v4.1: 2 of 1,594,248 alleles (0.00013%); highest among the groups gnomAD compares: Non-Finnish European, 0.00017%; no homozygotes.

Submission:

Labcorp Genetics (formerly Invitae), Labcorp
Classification: Uncertain significance for Dyskeratosis congenita, autosomal dominant 2; Idiopathic Pulmonary Fibrosis. Last evaluated: 2022-12-28. Review status: criteria provided, single submitter. Criteria: Invitae Variant Classification Sherloc (09022015). Collection method: clinical testing. Allele origin: germline.
Comment: This variant is not present in population databases (gnomAD no frequency). This sequence change replaces glutamic acid, which is acidic and polar, with lysine, which is basic and polar, at codon 200 of the TERT protein (p.Glu200Lys). This variant has not been reported in the literature in individuals affected with TERT-related conditions. In summary, the available evidence is currently insufficient to determine the role of this variant in disease. Therefore, it has been classified as a Variant of Uncertain Significance. Advanced modeling of protein sequence and biophysical properties (such as structural, functional, and spatial information, amino acid conservation, physicochemical variation, residue mobility, and thermodynamic stability) performed at Invitae indicates that this missense variant is not expected to disrupt TERT protein function.

NM_198253.3(TERT):c.598G>A (p.Glu200Lys)

Gene: TERT (telomerase reverse transcriptase; minus strand). Cytogenetic location: 5p15.33.
Variant type: single nucleotide variant.
Coding change: c.598G>A on transcript NM_198253.3 (MANE Select); coding-DNA position 598, G replaced by A.
Protein change: p.Glu200Lys; replaces glutamic acid 200 with lysine.
Molecular consequence: missense variant. On other transcripts: non-coding transcript variant (2).
Genome position (GRCh38, 1-based): chr5:1,294,288, C>T on the plus strand (G>A on the coding strand, the complement: TERT is on the minus strand). VCF-style: chr5-1294288-C-T. GRCh37 (hg19) VCF-style: chr5-1294403-C-T.
Other names: c.598G>A, p.Glu200Lys (NM_001193376.3, NM_003219.1); short protein forms E200K.
Identifiers: ClinVar variation 2949389 (VCV002949389.3), dbSNP rs1322987070, ClinGen allele CA359057234.